The following is an entry in ClinVar:

ClinVar aggregate classification (germline): Uncertain significance (1 of 4 stars; one submission).

Conditions:
Cardiovascular phenotype. Identifiers: MedGen CN230736.

Submission:

Ambry Genetics
Classification: Uncertain significance for Cardiovascular phenotype. Last evaluated: 2024-12-28. Review status: criteria provided, single submitter. Criteria: Ambry Variant Classification Scheme 2023. Collection method: clinical testing. Allele origin: germline.
Comment: The p.V336I variant (also known as c.1006G>A), located in coding exon 7 of the PCSK9 gene, results from a G to A substitution at nucleotide position 1006. The valine at codon 336 is replaced by isoleucine, an amino acid with highly similar properties. This amino acid position is conserved. In addition, the in silico prediction for this alteration is inconclusive. Based on the available evidence, the clinical significance of this variant remains unclear.

NM_174936.4(PCSK9):c.1006G>A (p.Val336Ile)

Gene: PCSK9 (proprotein convertase subtilisin/kexin type 9; plus strand). Cytogenetic location: 1p32.3.
Variant type: single nucleotide variant.
Coding change: c.1006G>A on transcript NM_174936.4 (MANE Select); coding-DNA position 1006, G replaced by A.
Protein change: p.Val336Ile; replaces valine 336 with isoleucine.
Molecular consequence: missense variant. On other transcripts: non-coding transcript variant (7).
Genome position (GRCh38, 1-based): chr1:55,057,340, G>A. VCF-style: chr1-55057340-G-A. GRCh37 (hg19) VCF-style: chr1-55523013-G-A.
Other names: c.1129G>A, p.Val377Ile (NM_001407240.1); c.1006G>A, p.Val336Ile (NM_001407241.1, NM_001407244.1, NM_001407247.1); c.1009G>A, p.Val337Ile (NM_001407242.1); c.949G>A, p.Val317Ile (NM_001407243.1); c.814G>A, p.Val272Ile (NM_001407245.1); c.631G>A, p.Val211Ile (NM_001407246.1); short protein forms V211I, V317I, V337I, V272I, V336I, V377I.
Identifiers: ClinVar variation 3887066 (VCV003887066.1).